The following is an entry in ClinVar:

NM_006796.3(AFG3L2):c.272A>G (p.Glu91Gly)

Gene: AFG3L2 (AFG3 like matrix AAA peptidase subunit 2; minus strand). Cytogenetic location: 18p11.21.
Variant type: single nucleotide variant.
Coding change: c.272A>G on transcript NM_006796.3 (MANE Select); coding-DNA position 272, A replaced by G.
Protein change: p.Glu91Gly; replaces glutamic acid 91 with glycine.
Molecular consequence: missense variant.
Genome position (GRCh38, 1-based): chr18:12,370,869, T>C on the plus strand (A>G on the coding strand, the complement: AFG3L2 is on the minus strand). VCF-style: chr18-12370869-T-C. GRCh37 (hg19) VCF-style: chr18-12370868-T-C.
Other names: short protein forms E91G.
Identifiers: ClinVar variation 2596508 (VCV002596508.3), dbSNP rs371509337, ClinGen allele CA8896797.

ClinVar aggregate classification (germline): Uncertain significance. Review status: criteria provided, multiple submitters, no conflicts (2 of 4 stars). 2 submissions from 2 submitters: Uncertain significance (2). Last evaluated 2023-08-10.

Conditions:
Inborn genetic diseases. Identifiers: MedGen C0950123, MeSH D030342.

Allele frequency attached by ClinVar (database versions not stated): ExAC 0.00003; TOPMed 0.00003; gnomAD 0.00005; gnomAD exomes 0.00007; ESP Exome Variant Server 0.00008.
gnomAD v4.1: 115 of 1,588,418 alleles (0.0072%); highest among the groups gnomAD compares: Non-Finnish European, 0.0095%; no homozygotes.

Submissions (2):

Ambry Genetics
Classification: Uncertain significance for Inborn genetic diseases. Last evaluated: 2023-08-10. Review status: criteria provided, single submitter. Criteria: Ambry Variant Classification Scheme 2023. Collection method: clinical testing. Allele origin: germline.

GeneDx
Classification: Uncertain significance. Last evaluated: 2023-06-28. Review status: criteria provided, single submitter. Criteria: GeneDx Variant Classification Process June 2021. Collection method: clinical testing. Allele origin: germline. Affected: yes.
Comment: In silico analysis supports that this missense variant does not alter protein structure/function; Has not been previously published as pathogenic or benign to our knowledge